The following is an entry in ClinVar:

NM_001567.4(INPPL1):c.1219C>T (p.Leu407=)

Gene: INPPL1 (inositol polyphosphate phosphatase like 1; plus strand). Cytogenetic location: 11q13.4.
Variant type: single nucleotide variant.
Coding change: c.1219C>T on transcript NM_001567.4 (MANE Select); coding-DNA position 1219, C replaced by T.
Protein change: p.Leu407=; no amino-acid change (leucine 407 retained).
Molecular consequence: synonymous variant.
Genome position (GRCh38, 1-based): chr11:72,230,817, C>T. VCF-style: chr11-72230817-C-T. GRCh37 (hg19) VCF-style: chr11-71941861-C-T.
Identifiers: ClinVar variation 1464352 (VCV001464352.31), dbSNP rs560305537, ClinGen allele CA6169965.

ClinVar aggregate classification (germline): Likely benign. Review status: criteria provided, multiple submitters, no conflicts (2 of 4 stars). 2 submissions from 2 submitters: Likely benign (2). Last evaluated 2025-05-22.

Allele frequency attached by ClinVar (database versions not stated): gnomAD 0.00002 and 0.00005; TOPMed 0.00002; ExAC 0.00004; gnomAD exomes 0.00004; 1000 Genomes Project 30x 0.00016; 1000 Genomes Project 0.00020.

Submissions (2):

Labcorp Genetics (formerly Invitae), Labcorp
Classification: Likely benign. Last evaluated: 2025-05-22. Review status: criteria provided, single submitter. Criteria: Invitae Variant Classification Sherloc (09022015). Collection method: clinical testing. Allele origin: germline.

CeGaT Center for Human Genetics Tuebingen
Classification: Likely benign. Last evaluated: 2023-11-01. Review status: criteria provided, single submitter. Criteria: CeGaT Center For Human Genetics Tuebingen Variant Classification Criteria Version 2. Collection method: clinical testing. Allele origin: germline. Affected: yes. Observed: 1 variant allele.
Comment: INPPL1: BP4, BP7